The following is an entry in ClinVar:

NM_001018113.3(FANCB):c.1960G>A (p.Ala654Thr)

Gene: FANCB (FA complementation group B; minus strand). Cytogenetic location: Xp22.2.
Variant type: single nucleotide variant.
Coding change: c.1960G>A on transcript NM_001018113.3 (MANE Select); coding-DNA position 1960, G replaced by A.
Protein change: p.Ala654Thr; replaces alanine 654 with threonine.
Molecular consequence: missense variant.
Genome position (GRCh38, 1-based): chrX:14,844,708, C>T on the plus strand (G>A on the coding strand, the complement: FANCB is on the minus strand). VCF-style: chrX-14844708-C-T. GRCh37 (hg19) VCF-style: chrX-14862830-C-T.
Other names: c.1960G>A, p.Ala654Thr (NM_001324162.2, NM_001410764.1, NM_152633.4); short protein forms A654T.
Identifiers: ClinVar variation 4975269 (VCV004975269.1).
Genomic context (GRCh38, chrX:14,844,708, plus strand): 5'-CCTTCATTGAATTCAGGGCATAGCCGGGTGATGTGATTTGAAAACAAGATTTATGGAATG[C>T]TGCAAGAAGTGCAAAAAGATCTTCCATGTGCTCTACAAAAAAAGTCACAAGCTCTATCAT-3'
Protein context (NP_001018123.1, residues 644-664): HMEDLFALLA[Ala654Thr]FHKSCFQITS

ClinVar aggregate classification (germline): Uncertain significance (1 of 4 stars; one submission).

gnomAD v4.1: 1 of 1,210,549 alleles (0.000083%); highest among the groups gnomAD compares: Non-Finnish European, 0.00011%; no homozygotes.

Submission:

GeneDx
Classification: Uncertain significance. Last evaluated: 2026-01-22. Review status: criteria provided, single submitter. Criteria: GeneDx Variant Classification Process June 2021. Collection method: clinical testing. Allele origin: germline.
Comment: Not observed at significant frequency in large population cohorts (gnomAD); In silico analysis suggests that this missense variant does not alter protein structure/function; Has not been previously published as pathogenic or benign to our knowledge